The following is an entry in ClinVar:

ClinVar aggregate classification (germline): Uncertain significance. Review status: criteria provided, multiple submitters, no conflicts (2 of 4 stars). 3 submissions from 3 submitters: Uncertain significance (3). Last evaluated 2024-12-07.

Conditions:
Muscular dystrophy-dystroglycanopathy (congenital with brain and eye anomalies), type a, 8 (MDDGA8). Also called: WALKER-WARBURG SYNDROME OR MUSCLE-EYE-BRAIN DISEASE, GTDC2-RELATED. Identifiers: Orphanet 899, MedGen C3553813, MONDO:0013904, OMIM 614830.
Inborn genetic diseases. Identifiers: MedGen C0950123, MeSH D030342.

Allele frequency attached by ClinVar (database versions not stated): ExAC 0.00007; gnomAD exomes 0.00007 and 0.00017; TOPMed 0.00014; gnomAD 0.00016 and 0.00017; ESP Exome Variant Server 0.00046.
gnomAD v4.1: 290 of 1,613,764 alleles (0.018%); highest among the groups gnomAD compares: Non-Finnish European, 0.022%; no homozygotes.

Submissions (3):

Ambry Genetics
Classification: Uncertain significance for Inborn genetic diseases. Last evaluated: 2024-12-07. Review status: criteria provided, single submitter. Criteria: Ambry Variant Classification Scheme 2023. Collection method: clinical testing. Allele origin: germline.

Labcorp Genetics (formerly Invitae), Labcorp
Classification: Uncertain significance for Muscular dystrophy-dystroglycanopathy (congenital with brain and eye anomalies), type a, 8. Last evaluated: 2022-02-03. Review status: criteria provided, single submitter. Criteria: Invitae Variant Classification Sherloc (09022015). Collection method: clinical testing. Allele origin: germline.
Comment: This sequence change replaces leucine, which is neutral and non-polar, with proline, which is neutral and non-polar, at codon 435 of the POMGNT2 protein (p.Leu435Pro). This variant is present in population databases (rs142458115, gnomAD 0.02%). This variant has not been reported in the literature in individuals affected with POMGNT2-related conditions. ClinVar contains an entry for this variant (Variation ID: 951596). Algorithms developed to predict the effect of missense changes on protein structure and function are either unavailable or do not agree on the potential impact of this missense change (SIFT: "Deleterious"; PolyPhen-2: "Probably Damaging"; Align-GVGD: "Class C0"). In summary, the available evidence is currently insufficient to determine the role of this variant in disease. Therefore, it has been classified as a Variant of Uncertain Significance.

GeneDx
Classification: Uncertain significance. Last evaluated: 2020-09-30. Review status: criteria provided, single submitter. Criteria: GeneDx Variant Classification Process June 2021. Collection method: clinical testing. Allele origin: germline. Affected: yes.
Comment: In silico analysis, which includes protein predictors and evolutionary conservation, supports a deleterious effect; Has not been previously published as pathogenic or benign to our knowledge

NM_032806.6(POMGNT2):c.1304T>C (p.Leu435Pro)

Gene: POMGNT2 (protein O-linked mannose N-acetylglucosaminyltransferase 2 (beta 1,4-); minus strand). Cytogenetic location: 3p22.1.
Variant type: single nucleotide variant.
Coding change: c.1304T>C on transcript NM_032806.6 (MANE Select); coding-DNA position 1304, T replaced by C.
Protein change: p.Leu435Pro; replaces leucine 435 with proline.
Molecular consequence: missense variant.
Genome position (GRCh38, 1-based): chr3:43,080,128, A>G on the plus strand (T>C on the coding strand, the complement: POMGNT2 is on the minus strand). VCF-style: chr3-43080128-A-G. GRCh37 (hg19) VCF-style: chr3-43121620-A-G.
Other names: c.1304T>C (NM_032806.4); short protein forms L435P.
Identifiers: ClinVar variation 951596 (VCV000951596.7), dbSNP rs142458115, ClinGen allele CA2339880.